The following is an entry in ClinVar:

NM_015340.4(LARS2):c.1181dup (p.Tyr394Ter)

Genes: LARS2 (leucyl-tRNA synthetase 2, mitochondrial; plus strand), LARS2-AS1 (LARS2 antisense RNA 1; minus strand). Cytogenetic location: 3p21.31.
Variant type: Duplication.
Coding change: c.1181dup on transcript NM_015340.4 (MANE Select); coding-DNA position 1181, one base duplicated (A; older notation c.1181dupA).
Protein change: p.Tyr394Ter; replaces tyrosine 394 with a stop codon.
Molecular consequence: nonsense.
Genome position (GRCh38, 1-based): chr3:45,488,754, A duplicated. VCF-style (leftmost placement, unchanged base first): chr3-45488753-T-TA. GRCh37 (hg19) VCF-style: chr3-45530245-T-TA.
Other names: c.1181dup, p.Tyr394Ter (NM_001368263.1); short protein forms Y394*.
Identifiers: ClinVar variation 2859536 (VCV002859536.3), dbSNP rs2529012086, ClinGen allele CA2739278665.

ClinVar aggregate classification (germline): Pathogenic (1 of 4 stars; one submission).

Submission:

Labcorp Genetics (formerly Invitae), Labcorp
Classification: Pathogenic. Last evaluated: 2023-05-21. Review status: criteria provided, single submitter. Criteria: Invitae Variant Classification Sherloc (09022015). Collection method: clinical testing. Allele origin: germline.
Comment: This sequence change creates a premature translational stop signal (p.Tyr394*) in the LARS2 gene. It is expected to result in an absent or disrupted protein product. Loss-of-function variants in LARS2 are known to be pathogenic (PMID: 23541342, 30737337). This variant is not present in population databases (gnomAD no frequency). This variant has not been reported in the literature in individuals affected with LARS2-related conditions. For these reasons, this variant has been classified as Pathogenic.

Literature cited by the submitters: PubMed 23541342; PubMed 30737337.